The following is an entry in ClinVar:

NM_000051.4(ATM):c.4462T>C (p.Leu1488=)

Gene: ATM (ATM serine/threonine kinase; plus strand). Cytogenetic location: 11q22.3.
Variant type: single nucleotide variant.
Coding change: c.4462T>C on transcript NM_000051.4 (MANE Select); coding-DNA position 4462, T replaced by C.
Protein change: p.Leu1488=; no amino-acid change (leucine 1488 retained).
Molecular consequence: synonymous variant.
Genome position (GRCh38, 1-based): chr11:108,292,644, T>C. VCF-style: chr11-108292644-T-C. GRCh37 (hg19) VCF-style: chr11-108163371-T-C.
Other names: c.4462T>C, p.Leu1488= (NM_001351834.2).
Identifiers: ClinVar variation 794702 (VCV000794702.11), dbSNP rs1591673809, ClinGen allele CA476674130.

ClinVar aggregate classification (germline): Benign/Likely benign. Review status: criteria provided, multiple submitters, no conflicts (2 of 4 stars). 4 submissions from 4 submitters: Benign (1); Likely benign (3). Last evaluated 2025-10-23.

Conditions:
Familial cancer of breast. Also called: BREAST CANCER, FAMILIAL; Hereditary breast cancer; hereditary breast carcinoma. Identifiers: Orphanet 227535, MedGen C0346153, MONDO:0016419, OMIM 114480. Disease mechanism: loss of function.
Ataxia-telangiectasia syndrome (AT). Also called: Ataxia-telangiectasia, complementation group E; Ataxia-telangiectasia, complementation group D; Ataxia telangiectasia (A-T); LOUIS-BAR SYNDROME; ATAXIA-TELANGIECTASIA, COMPLEMENTATION GROUP A; ATAXIA-TELANGIECTASIA, FRESNO VARIANT. Identifiers: Orphanet 100, MedGen C0004135, MONDO:0008840, OMIM 208900.
Hereditary cancer-predisposing syndrome. Also called: Neoplastic Syndromes, Hereditary; Hereditary Cancer Syndrome; Tumor predisposition; Hereditary neoplastic syndrome. Identifiers: Orphanet 140162, MedGen C0027672, MeSH D009386, MONDO:0015356.

Allele frequency attached by ClinVar (database versions not stated): TOPMed below 0.00001.

Submissions (4):

Ambry Genetics
Classification: Likely benign for Hereditary cancer-predisposing syndrome. Last evaluated: 2025-10-23. Review status: criteria provided, single submitter. Criteria: Ambry Variant Classification Scheme 2023. Collection method: clinical testing. Allele origin: germline.

Labcorp Genetics (formerly Invitae), Labcorp
Classification: Likely benign for Ataxia-telangiectasia syndrome. Last evaluated: 2025-06-30. Review status: criteria provided, single submitter. Criteria: Invitae Variant Classification Sherloc (09022015). Collection method: clinical testing. Allele origin: germline.

Color Diagnostics, LLC DBA Color Health
Classification: Likely benign for Hereditary cancer-predisposing syndrome. Last evaluated: 2024-08-05. Review status: criteria provided, single submitter. Criteria: ACMG Guidelines, 2015. Collection method: clinical testing. Allele origin: germline.

Myriad Genetics, Inc.
Classification: Benign for Familial cancer of breast. Last evaluated: 2024-05-20. Review status: criteria provided, single submitter. Criteria: Myriad Autosomal Dominant, Autosomal Recessive and X-Linked Classification Criteria (2023). Collection method: clinical testing. Allele origin: unknown.
Comment: This variant is considered benign. This variant is a silent/synonymous amino acid change and it is not expected to impact splicing.